The following is an entry in ClinVar:

ClinVar aggregate classification (germline): Uncertain significance (1 of 4 stars; one submission).

Conditions:
Idiopathic generalized epilepsy. Also called: EIG; Generalised epilepsy. Identifiers: MedGen C0270850, MONDO:0005579, OMIM 600669.
Hyperaldosteronism, familial, type IV (HALD4). Also called: FH IV; ALDOSTERONISM, PRIMARY, AND HYPERTENSION. Identifiers: Orphanet 642671, MedGen C4310756, MONDO:0014875, OMIM 617027.

Submission:

Labcorp Genetics (formerly Invitae), Labcorp
Classification: Uncertain significance for Idiopathic generalized epilepsy; Hyperaldosteronism, familial, type IV. Last evaluated: 2020-06-18. Review status: criteria provided, single submitter. Criteria: Invitae Variant Classification Sherloc (09022015). Collection method: clinical testing. Allele origin: germline.
Comment: In summary, the available evidence is currently insufficient to determine the role of this variant in disease. Therefore, it has been classified as a Variant of Uncertain Significance. Experimental studies and prediction algorithms are not available or were not evaluated, and the functional significance of this variant is currently unknown. This variant has not been reported in the literature in individuals with CACNA1H-related conditions. This variant results in a copy number gain of the genomic region encompassing exon(s) 3-21 of the CACNA1H gene. While the exact position of this variant cannot be determined from the data, sub-genic copy number gains are generally in tandem (PMID: 25640679). This variant is predicted to be in-frame, and likely preserves the integrity of the reading frame.

Literature cited by the submitters: PubMed 25640679.

NC_000016.9:g.(?_1244962)_(1260981_?)dup

Gene: CACNA1H (calcium voltage-gated channel subunit alpha1 H; plus strand). Cytogenetic location: 16p13.3.
Variant type: Duplication.
Identifiers: ClinVar variation 1056316 (VCV001056316.5).